The following is an entry in ClinVar:

NM_000094.4(COL7A1):c.6900+1G>C

Gene: COL7A1 (collagen type VII alpha 1 chain; minus strand). Cytogenetic location: 3p21.31.
Variant type: single nucleotide variant.
Coding change: c.6900+1G>C on transcript NM_000094.4 (MANE Select); the canonical splice donor site of the intron after coding-DNA position 6900, G replaced by C.
Molecular consequence: splice donor variant.
Genome position (GRCh38, 1-based): chr3:48,572,670, C>G on the plus strand (G>C on the coding strand, the complement: COL7A1 is on the minus strand). VCF-style: chr3-48572670-C-G. GRCh37 (hg19) VCF-style: chr3-48610103-C-G.
Identifiers: ClinVar variation 3720500 (VCV003720500.2).

ClinVar aggregate classification (germline): Pathogenic (1 of 4 stars; one submission).

Submission:

Labcorp Genetics (formerly Invitae), Labcorp
Classification: Pathogenic. Last evaluated: 2024-08-28. Review status: criteria provided, single submitter. Criteria: Invitae Variant Classification Sherloc (09022015). Collection method: clinical testing. Allele origin: germline.
Comment: This sequence change affects a donor splice site in intron 87 of the COL7A1 gene. It is expected to disrupt splicing. Variants that disrupt the donor or acceptor splice site typically lead to a loss of protein function (PMID: 16199547), and loss-of-function variants in COL7A1 are known to be disease-causing for autosomal recessive dystrophic epidermolysis bullosa (PMID: 16971478). However, certain variants affecting donor or acceptor splice sites in the triple helical domain of COL7A1 are expected to result in in-frame exon skipping and have been reported to cause autosomal dominant dystrophic epidermolysis bullosa (PMID: 31670143). This variant is not present in population databases (gnomAD no frequency). Disruption of this splice site has been observed in individual(s) with autosomal dominant dystrophic epidermolysis bullosa (PMID: 21879237, 34543471, 36287101; internal data). Studies have shown that disruption of this splice site results in skipping of exon 87, but is expected to preserve the integrity of the reading-frame (PMID: 21879237). This variant disrupts the triple helix domain of COL7A1. Glycine residues within the Gly-Xaa-Yaa repeats of the triple helix domain are required for the structure and stability of fibrillar collagens (PMID: 7695699, 8218237, 19344236), and variants at these glycine residues in COL7A1 are more frequently observed in individuals with disease than in the general population (PMID: 22058051). However, the clinical significance of this observation remains uncertain since only a limited number of affected individuals have been described to date. For these reasons, this variant has been classified as Pathogenic.

Literature cited by the submitters: PubMed 16199547; PubMed 16971478; PubMed 31670143; PubMed 21879237; PubMed 34543471; PubMed 36287101; PubMed 7695699; PubMed 8218237; PubMed 19344236; PubMed 22058051.